The following is an entry in ClinVar:

ClinVar aggregate classification (germline): Likely benign (1 of 4 stars; one submission).

Submission:

GeneDx
Classification: Likely benign. Last evaluated: 2016-08-11. Review status: criteria provided, single submitter. Criteria: GeneDx Variant Classification (06012015). Collection method: clinical testing. Allele origin: germline. Affected: yes.
Comment: This variant is considered likely benign or benign based on one or more of the following criteria: it is a conservative change, it occurs at a poorly conserved position in the protein, it is predicted to be benign by multiple in silico algorithms, and/or has population frequency not consistent with disease.

NM_018368.4(LMBRD1):c.405T>C (p.Thr135=)

Gene: LMBRD1 (LMBR1 domain containing 1; minus strand). Cytogenetic location: 6q13.
Variant type: single nucleotide variant.
Coding change: c.405T>C on transcript NM_018368.4 (MANE Select); coding-DNA position 405, T replaced by C.
Protein change: p.Thr135=; no amino-acid change (threonine 135 retained).
Molecular consequence: synonymous variant.
Genome position (GRCh38, 1-based): chr6:69,752,259, A>G on the plus strand (T>C on the coding strand, the complement: LMBRD1 is on the minus strand). VCF-style: chr6-69752259-A-G. GRCh37 (hg19) VCF-style: chr6-70462151-A-G.
Other names: c.186T>C, p.Thr62= (NM_001363722.2, NM_001367271.1, NM_001367272.1).
Identifiers: ClinVar variation 388151 (VCV000388151.1), dbSNP rs1057523015, ClinGen allele CA16604976.